The following is an entry in ClinVar:

NM_201384.3(PLEC):c.8819A>T (p.Asp2940Val)

Gene: PLEC (plectin; minus strand). Cytogenetic location: 8q24.3.
Variant type: single nucleotide variant.
Coding change: c.8819A>T on transcript NM_201384.3 (MANE Select); coding-DNA position 8819, A replaced by T.
Protein change: p.Asp2940Val; replaces aspartic acid 2940 with valine.
Molecular consequence: missense variant.
Genome position (GRCh38, 1-based): chr8:143,921,002, T>A on the plus strand (A>T on the coding strand, the complement: PLEC is on the minus strand). VCF-style: chr8-143921002-T-A. GRCh37 (hg19) VCF-style: chr8-144995170-T-A.
Other names: p.Asp2967Val; c.8753A>T, p.Asp2918Val (NM_201379.3); c.9230A>T, p.Asp3077Val (NM_201380.4); c.8723A>T, p.Asp2908Val (NM_201381.3); c.8819A>T, p.Asp2940Val (NM_201382.4); c.8831A>T, p.Asp2944Val (NM_201383.3); c.8900A>T, p.Asp2967Val (NM_000445.5); c.5519A>T, p.Asp1840Val (NM_001410941.1); and 1 more; short protein forms D1840V, D2908V, D2918V, D2926V, D2940V, D2944V, D2967V, D3077V.
Identifiers: ClinVar variation 3379839 (VCV003379839.3).
Genomic context (GRCh38, chr8:143,921,002, plus strand): 5'-ATGATGATCTTGATGATCTTCTCCACTGTGATCCGGCCCGTGCGGAACTGCCGCAGCAGG[T>A]CCCGCCGCTGCTCTGCCGTGAAGTATTCCGAGTTGATGATCTCCCAAATGGTCACCGTCT-3'
Protein context (NP_958786.1, residues 2930-2950): SEYFTAEQRR[Asp2940Val]LLRQFRTGRI

ClinVar aggregate classification (germline): Uncertain significance. Review status: criteria provided, multiple submitters, no conflicts (2 of 4 stars). 2 submissions from 2 submitters: Uncertain significance (2). Last evaluated 2024-07-11.

Conditions:
Epidermolysis bullosa simplex 5B, with muscular dystrophy (EBS5B). Also called: Epidermolysis bullosa simplex with muscular dystrophy; EPIDERMOLYSIS BULLOSA SIMPLEX AND LIMB-GIRDLE MUSCULAR DYSTROPHY. Identifiers: Orphanet 257, MedGen C2931072, MONDO:0009181, OMIM 226670.
Epidermolysis bullosa simplex 5C, with pyloric atresia (EBS5C). Also called: Epidermolysis bullosa simplex with pyloric atresia; PLEC-Related Epidermolysis Bullosa with Pyloric Atresia; PLEC1-Related Epidermolysis Bullosa with Pyloric Atresia. Identifiers: Orphanet 158684, MedGen C2677349, MONDO:0012807, OMIM 612138.
Epidermolysis bullosa simplex, Ogna type (EBS5A). Also called: EPIDERMOLYSIS BULLOSA SIMPLEX 5A, OGNA TYPE; Pidermolysis bullosa simplex 5A, Ogna type. Identifiers: Orphanet 79401, MedGen C0432317, MONDO:0007555, OMIM 131950.
Autosomal recessive limb-girdle muscular dystrophy type 2Q (LGMDR17). Also called: MUSCULAR DYSTROPHY, LIMB-GIRDLE, AUTOSOMAL RECESSIVE 17. Identifiers: Orphanet 254361, MedGen C3150989, MONDO:0013390, OMIM 613723.
Epidermolysis bullosa simplex with nail dystrophy (EBS5D). Identifiers: MedGen C4225309, MONDO:0014661, OMIM 616487.

Submissions (2):

Labcorp Genetics (formerly Invitae), Labcorp
Classification: Uncertain significance for Autosomal recessive limb-girdle muscular dystrophy type 2Q; Epidermolysis bullosa simplex, Ogna type; Epidermolysis bullosa simplex with nail dystrophy; Epidermolysis bullosa simplex 5C, with pyloric atresia; Epidermolysis bullosa simplex 5B, with muscular dystrophy. Last evaluated: 2024-07-11. Review status: criteria provided, single submitter. Criteria: Invitae Variant Classification Sherloc (09022015). Collection method: clinical testing. Allele origin: germline.
Comment: This sequence change replaces aspartic acid, which is acidic and polar, with valine, which is neutral and non-polar, at codon 2967 of the PLEC protein (p.Asp2967Val). This variant is present in population databases (no rsID available, gnomAD 0.007%). This variant has not been reported in the literature in individuals affected with PLEC-related conditions. An algorithm developed to predict the effect of missense changes on protein structure and function (PolyPhen-2) suggests that this variant is likely to be disruptive. In summary, the available evidence is currently insufficient to determine the role of this variant in disease. Therefore, it has been classified as a Variant of Uncertain Significance.

Mayo Clinic Laboratories, Mayo Clinic
Classification: Uncertain significance. Last evaluated: 2024-03-21. Review status: criteria provided, single submitter. Criteria: ACMG Guidelines, 2015. Collection method: clinical testing. Allele origin: germline. Observed: 1 variant allele.
Comment: PM2_moderate